The following is an entry in ClinVar:

ClinVar aggregate classification (germline): Pathogenic (1 of 4 stars; one submission).

Conditions:
Hereditary cancer-predisposing syndrome. Also called: Neoplastic Syndromes, Hereditary; Tumor predisposition; Hereditary neoplastic syndrome; Hereditary Cancer Syndrome. Identifiers: Orphanet 140162, MedGen C0027672, MeSH D009386, MONDO:0015356.

Submission:

Ambry Genetics
Classification: Pathogenic for Hereditary cancer-predisposing syndrome. Last evaluated: 2018-08-30. Review status: criteria provided, single submitter. Criteria: Ambry Variant Classification Scheme 2023. Collection method: clinical testing. Allele origin: germline.
Comment: The c.750_751dupTG pathogenic mutation, located in coding exon 7 of the APC gene, results from a duplication of TG at nucleotide position 750, causing a translational frameshift with a predicted alternate stop codon (p.E251Vfs*43). This alteration is expected to result in loss of function by premature protein truncation or nonsense-mediated mRNA decay. As such, this alteration is interpreted as a disease-causing mutation.

NM_000038.6(APC):c.750_751dup (p.Glu251fs)

Gene: APC (APC regulator of Wnt signaling pathway; plus strand). Cytogenetic location: 5q22.2.
Variant type: Duplication.
Coding change: c.750_751dup on transcript NM_000038.6 (MANE Select); coding-DNA positions 750 to 751, 2 bases duplicated (TG; older notation c.750_751dupTG).
Protein change: p.Glu251fs; shifts the reading frame from glutamic acid 251.
Molecular consequence: frameshift variant. On other transcripts: 5 prime UTR variant (1).
Genome position (GRCh38, 1-based): chr5:112,801,299-112,801,300, TG duplicated. VCF-style (leftmost placement, unchanged base first): chr5-112801298-A-ATG. GRCh37 (hg19) VCF-style: chr5-112136995-A-ATG.
Other names: c.750_751dup, p.Glu251fs (NM_001127510.3, NM_001354895.2, NM_001354896.2 and 1 more transcripts); c.696_697dup, p.Glu233fs (NM_001127511.3); c.780_781dup, p.Glu261fs (NM_001354897.2, NM_001354902.2); c.675_676dup, p.Glu226fs (NM_001354898.2, NM_001354904.2); c.666_667dup, p.Glu223fs (NM_001354899.2); c.573_574dup, p.Glu192fs (NM_001354900.2, NM_001354901.2, NM_001354905.2); c.-286_-285dup (NM_001354906.2); short protein forms E261fs, E192fs, E223fs, E226fs, E233fs, E251fs.
Identifiers: ClinVar variation 827089 (VCV000827089.4), dbSNP rs1580454619, ClinGen allele CA915943463.
Genomic context (GRCh38, chr5:112,801,298, plus strand): 5'-CACCATTTTTGCATGTACTGATGTTAACTCCATCTTAACAGAGGTCATCTCAGAACAAGC[A>ATG]TGAAACCGGCTCACATGATGCTGAGCGGCAGAATGAAGGTCAAGGAGTGGGAGAAATCAA-3'